The following is an entry in ClinVar:

NM_180989.6(GPR180):c.321C>T (p.Thr107=)

Gene: GPR180 (G protein-coupled receptor 180; plus strand). Cytogenetic location: 13q32.1.
Variant type: single nucleotide variant.
Coding change: c.321C>T on transcript NM_180989.6 (MANE Select); coding-DNA position 321, C replaced by T.
Protein change: p.Thr107=; no amino-acid change (threonine 107 retained).
Molecular consequence: synonymous variant.
Genome position (GRCh38, 1-based): chr13:94,612,206, C>T. VCF-style: chr13-94612206-C-T. GRCh37 (hg19) VCF-style: chr13-95264460-C-T.
Identifiers: ClinVar variation 3052985 (VCV003052985.2), dbSNP rs140472784, ClinGen allele CA7018330.

ClinVar aggregate classification (germline): Likely benign (0 of 4 stars; one submission).

Conditions:
GPR180-related disorder. Also called: GPR180-related condition.

Allele frequency attached by ClinVar (database versions not stated): ExAC 0.00012; gnomAD 0.00019; TOPMed 0.00024; ESP Exome Variant Server 0.00038.
gnomAD v4.1: 86 of 1,613,868 alleles (0.0053%); highest among the groups gnomAD compares: African/African-American, 0.069%; no homozygotes.

Submission:

PreventionGenetics, part of Exact Sciences
Classification: Likely benign for GPR180-related condition. Last evaluated: 2019-08-26. Review status: no assertion criteria provided. Collection method: clinical testing. Allele origin: germline.
Comment: This variant is classified as likely benign based on ACMG/AMP sequence variant interpretation guidelines (Richards et al. 2015 PMID: 25741868, with internal and published modifications).